The following is an entry in ClinVar:

NM_004456.5(EZH2):c.2234A>G (p.Glu745Gly)

Gene: EZH2 (enhancer of zeste 2 polycomb repressive complex 2 subunit; minus strand). Cytogenetic location: 7q36.1.
Variant type: single nucleotide variant.
Coding change: c.2234A>G on transcript NM_004456.5 (MANE Select); coding-DNA position 2234, A replaced by G.
Protein change: p.Glu745Gly; replaces glutamic acid 745 with glycine.
Molecular consequence: missense variant.
Genome position (GRCh38, 1-based): chr7:148,807,668, T>C on the plus strand (A>G on the coding strand, the complement: EZH2 is on the minus strand). VCF-style: chr7-148807668-T-C. GRCh37 (hg19) VCF-style: chr7-148504760-T-C.
Other names: c.2219A>G, p.Glu740Gly (NM_001203247.2); c.2192A>G, p.Glu731Gly (NM_001203248.2); c.2066A>G, p.Glu689Gly (NM_001203249.2); c.2102A>G, p.Glu701Gly (NM_152998.3); short protein forms E745G, E701G, E731G, E740G, E689G.
Identifiers: ClinVar variation 636330 (VCV000636330.9), dbSNP rs1584844048, ClinGen allele CA369711780.
Genomic context (GRCh38, chr7:148,807,668, plus strand): 5'-GCAGCTGTTTCAGAGGAGGGGGGAGGAGGTAGCAGATGTCAAGGGATTTCCATTTCTCTT[T>C]CGATGCCGACATACTTCAGGGCATCAGCCTGGCTGTATCTGAAACAACAGGAAGGAGATG-3'
Protein context (NP_004447.2, residues 735-751): QADALKYVGI[Glu745Gly]REMEIP

ClinVar aggregate classification (germline): Uncertain significance. Review status: criteria provided, single submitter (1 of 4 stars). 2 submissions from 2 submitters: Uncertain significance (1). 1 of the submissions does not count toward it. Last evaluated 2019-01-04.

Conditions:
Weaver syndrome (WVS). Also called: Weaver Smith syndrome; Overgrowth syndrome with accelerated skeletal maturation, unusual facies, and camptodactyly. Identifiers: Orphanet 3447, MedGen C0265210, MONDO:0010193, OMIM 277590.

Submissions (2):

Labcorp Genetics (formerly Invitae), Labcorp
Classification: Uncertain significance for Weaver syndrome. Last evaluated: 2019-01-04. Review status: criteria provided, single submitter. Criteria: Invitae Variant Classification Sherloc (09022015). Collection method: clinical testing. Allele origin: germline.
Comment: In summary, the available evidence is currently insufficient to determine the role of this variant in disease. Therefore, it has been classified as a Variant of Uncertain Significance. This sequence change replaces glutamic acid with glycine at codon 745 of the EZH2 protein (p.Glu745Gly). The glutamic acid residue is moderately conserved and there is a moderate physicochemical difference between glutamic acid and glycine. This variant is not present in population databases (ExAC no frequency). This variant has not been reported in the literature in individuals with EZH2-related conditions. Algorithms developed to predict the effect of missense changes on protein structure and function are either unavailable or do not agree on the potential impact of this missense change (SIFT: "Tolerated"; PolyPhen-2: "Possibly Damaging"; Align-GVGD: "Class C0"). This variant disrupts the p.Glu745 amino acid residue in EZH2. Other variant(s) (p.Glu745Lys) that disrupt this residue have been observed in individuals with EZH2-related conditions (PMID: 23239504, 22190405), which suggests that this may be a clinically significant amino acid residue.

Institute of Human Genetics, Cologne University
Classification: Pathogenic for Weaver syndrome. Review status: no assertion criteria provided. Collection method: clinical testing. Allele origin: de novo. Inheritance: Autosomal dominant inheritance. Affected: yes. Observed: 1 heterozygote. Not counted in ClinVar's aggregate classification.

Literature cited by the submitters: PubMed 23239504 (cited by Labcorp Genetics (formerly Invitae), Labcorp); PubMed 22190405 (cited by Labcorp Genetics (formerly Invitae), Labcorp).